The following is an entry in ClinVar:

ClinVar aggregate classification (germline): Uncertain significance (1 of 4 stars; one submission).

Conditions:
Myofibrillar myopathy 5. Also called: FILAMINOPATHY, AUTOSOMAL DOMINANT; Filaminopathy (type). Identifiers: Orphanet 171445, MedGen C1836050, MONDO:0012289, OMIM 609524.
Distal myopathy with posterior leg and anterior hand involvement. Also called: WILLIAMS DISTAL MYOPATHY. Identifiers: Orphanet 63273, MedGen C3279722, MONDO:0013550, OMIM 614065.
Hypertrophic cardiomyopathy 26. Also called: Cardiomyopathy, familial hypertrophic, 26. Identifiers: Orphanet 75249, MedGen C4310749, MONDO:0014883, OMIM 617047.

Submission:

Labcorp Genetics (formerly Invitae), Labcorp
Classification: Uncertain significance for Distal myopathy with posterior leg and anterior hand involvement; Myofibrillar myopathy 5; Hypertrophic cardiomyopathy 26. Last evaluated: 2025-10-17. Review status: criteria provided, single submitter. Criteria: Invitae Variant Classification Sherloc (09022015). Collection method: clinical testing. Allele origin: germline.
Comment: This sequence change replaces tyrosine, which is neutral and polar, with histidine, which is basic and polar, at codon 1303 of the FLNC protein (p.Tyr1303His). This variant is not present in population databases (gnomAD no frequency). This variant has not been reported in the literature in individuals affected with FLNC-related conditions. Invitae Evidence Modeling of protein sequence and biophysical properties (such as structural, functional, and spatial information, amino acid conservation, physicochemical variation, residue mobility, and thermodynamic stability) has been performed for this missense variant. However, the output from this modeling did not meet the statistical confidence thresholds required to predict the impact of this variant on FLNC protein function. In summary, the available evidence is currently insufficient to determine the role of this variant in disease. Therefore, it has been classified as a Variant of Uncertain Significance.

NM_001458.5(FLNC):c.3907T>C (p.Tyr1303His)

Gene: FLNC (filamin C; plus strand). Cytogenetic location: 7q32.1.
Variant type: single nucleotide variant.
Coding change: c.3907T>C on transcript NM_001458.5 (MANE Select); coding-DNA position 3907, T replaced by C.
Protein change: p.Tyr1303His; replaces tyrosine 1303 with histidine.
Molecular consequence: missense variant.
Genome position (GRCh38, 1-based): chr7:128,846,106, T>C. VCF-style: chr7-128846106-T-C. GRCh37 (hg19) VCF-style: chr7-128486160-T-C.
Other names: c.3907T>C, p.Tyr1303His (NM_001127487.2); short protein forms Y1303H.
Identifiers: ClinVar variation 4812369 (VCV004812369.1).